The following is an entry in ClinVar:

NM_000321.3(RB1):c.1456_1457del (p.Leu486fs)

Gene: RB1 (RB transcriptional corepressor 1; plus strand). Cytogenetic location: 13q14.2.
Variant type: Deletion.
Coding change: c.1456_1457del on transcript NM_000321.3 (MANE Select); coding-DNA positions 1456 to 1457, 2 bases deleted (TT; older notation c.1456_1457delTT).
Protein change: p.Leu486fs; shifts the reading frame from leucine 486.
Molecular consequence: frameshift variant.
Genome position (GRCh38, 1-based): chr13:48,380,199-48,380,200, TT deleted; deleting any 2 consecutive bases within chr13:48,380,198-48,380,200 gives the same sequence; the c. name uses the placement nearest the transcript's 3' end. VCF-style (leftmost placement, unchanged base first): chr13-48380197-CTT-C. GRCh37 (hg19) VCF-style: chr13-48954333-CTT-C.
Other names: L11910:g.77035_77036delTT; c.1456_1457del (NM_000321.2); short protein forms L486fs.
Identifiers: ClinVar variation 126838 (VCV000126838.3), dbSNP rs587778832, ClinGen allele CA026378.

ClinVar aggregate classification (germline): Pathogenic. Review status: criteria provided, single submitter (1 of 4 stars). 2 submissions from 2 submitters: Pathogenic (1). 1 of the submissions does not count toward it. Last evaluated 2023-04-14.

Conditions:
Retinoblastoma (RB1). Also called: RETINOBLASTOMA, SOMATIC. Identifiers: Orphanet 790, MedGen C0035335, MeSH D012175, MONDO:0008380, OMIM 180200, HP:0009919. Disease mechanism: loss of function. Inheritance: Both sporadic and heritable forms are tested..

Submissions (2):

St. Jude Molecular Pathology, St. Jude Children's Research Hospital
Classification: Pathogenic for Retinoblastoma. Last evaluated: 2023-04-14. Review status: criteria provided, single submitter. Criteria: St. Jude Assertion Criteria 2020. Collection method: clinical testing. Allele origin: germline. Affected: yes.
Comment: The RB1 c.1456_1457del (p.Leu486IlefsTer6) change deletes two nucleotides to cause a frameshift and the creation of a premature stop codon. This change is predicted to cause protein truncation or absence of protein due to nonsense-mediated decay. This variant has been identified in individuals with retinoblastoma (PMID: 33456302, internal data). This variant is also absent in gnomAD v2.1.1. In summary, this variant meets criteria to be classified as pathogenic.

Genetic Diagnostic Laboratory, University of Pennsylvania School of Medicine
Classification: Pathogenic for Retinoblastoma. Last evaluated: 2013-09-16. Review status: no assertion criteria provided. Collection method: clinical testing. Allele origin: somatic. Affected: yes. Not counted in ClinVar's aggregate classification.